The following is an entry in ClinVar:

ClinVar aggregate classification (germline): Pathogenic (1 of 4 stars; one submission).

Conditions:
ALG6-congenital disorder of glycosylation 1C (CDG1C). Also called: Congenital disorder of glycosylation, type Ic; CARBOHYDRATE-DEFICIENT GLYCOPROTEIN SYNDROME, TYPE I, WITH DEFICIENT GLYCOSYLATION OF DOLICHOL-LINKED OLIGOSACCHARIDE; CARBOHYDRATE-DEFICIENT GLYCOPROTEIN SYNDROME, TYPE V; Congenital disorder of glycosylation type 1C; CDG Ic. Identifiers: Orphanet 79320, MedGen C2930997, MONDO:0011291, OMIM 603147.

Submission:

Labcorp Genetics (formerly Invitae), Labcorp
Classification: Pathogenic for ALG6-congenital disorder of glycosylation 1C. Last evaluated: 2022-02-23. Review status: criteria provided, single submitter. Criteria: Invitae Variant Classification Sherloc (09022015). Collection method: clinical testing. Allele origin: germline.
Comment: This sequence change creates a premature translational stop signal (p.Cys212Alafs*20) in the ALG6 gene. It is expected to result in an absent or disrupted protein product. Loss-of-function variants in ALG6 are known to be pathogenic (PMID: 19862844). This variant is present in population databases (no rsID available, gnomAD 0.01%). This variant has not been reported in the literature in individuals affected with ALG6-related conditions. For these reasons, this variant has been classified as Pathogenic.

Literature cited by the submitters: PubMed 19862844.

NM_013339.4(ALG6):c.634del (p.Cys212fs)

Gene: ALG6 (ALG6 alpha-1,3-glucosyltransferase; plus strand). Cytogenetic location: 1p31.3.
Variant type: Deletion.
Coding change: c.634del on transcript NM_013339.4 (MANE Select); coding-DNA position 634, one base deleted (T; older notation c.634delT).
Protein change: p.Cys212fs; shifts the reading frame from cysteine 212.
Molecular consequence: frameshift variant.
Genome position (GRCh38, 1-based): chr1:63,411,285, T deleted; the last of 7 consecutive T bases (chr1:63,411,279-63,411,285); deleting any one gives the same sequence. VCF-style (leftmost placement, unchanged base first): chr1-63411278-AT-A. GRCh37 (hg19) VCF-style: chr1-63876949-AT-A.
Other names: short protein forms C212fs.
Identifiers: ClinVar variation 1460456 (VCV001460456.6), dbSNP rs879133727, ClinGen allele CA418199698.